The following is an entry in ClinVar:

NM_001199138.2(NLRC4):c.1031C>T (p.Thr344Ile)

Gene: NLRC4 (NLR family CARD domain containing 4; minus strand). Cytogenetic location: 2p22.3.
Variant type: single nucleotide variant.
Coding change: c.1031C>T on transcript NM_001199138.2 (MANE Select); coding-DNA position 1031, C replaced by T.
Protein change: p.Thr344Ile; replaces threonine 344 with isoleucine.
Molecular consequence: missense variant. On other transcripts: intron variant (1).
Genome position (GRCh38, 1-based): chr2:32,250,833, G>A on the plus strand (C>T on the coding strand, the complement: NLRC4 is on the minus strand). VCF-style: chr2-32250833-G-A. GRCh37 (hg19) VCF-style: chr2-32475902-G-A.
Other names: c.1031C>T, p.Thr344Ile (NM_001199139.2, NM_021209.5); c.262+1586C>T (NM_001302504.1); short protein forms T344I.
Identifiers: ClinVar variation 2954051 (VCV002954051.3), dbSNP rs2466761284, ClinGen allele CA346513724.

ClinVar aggregate classification (germline): Uncertain significance (1 of 4 stars; one submission).

Conditions:
Periodic fever-infantile enterocolitis-autoinflammatory syndrome. Also called: Autoinflammation with infantile enterocolitis. Identifiers: Orphanet 436166, MedGen C4015067, MONDO:0014472, OMIM 616050.
Familial cold autoinflammatory syndrome 4 (FCAS4). Identifiers: Orphanet 47045, Orphanet 576349, MedGen C4015276, MONDO:0014498, OMIM 616115.

Submission:

Labcorp Genetics (formerly Invitae), Labcorp
Classification: Uncertain significance for Periodic fever-infantile enterocolitis-autoinflammatory syndrome; Familial cold autoinflammatory syndrome 4. Last evaluated: 2023-11-19. Review status: criteria provided, single submitter. Criteria: Invitae Variant Classification Sherloc (09022015). Collection method: clinical testing. Allele origin: germline.
Comment: This sequence change replaces threonine, which is neutral and polar, with isoleucine, which is neutral and non-polar, at codon 344 of the NLRC4 protein (p.Thr344Ile). This variant is not present in population databases (gnomAD no frequency). This variant has not been reported in the literature in individuals affected with NLRC4-related conditions. Advanced modeling of protein sequence and biophysical properties (such as structural, functional, and spatial information, amino acid conservation, physicochemical variation, residue mobility, and thermodynamic stability) performed at Invitae indicates that this missense variant is not expected to disrupt NLRC4 protein function with a negative predictive value of 80%. In summary, the available evidence is currently insufficient to determine the role of this variant in disease. Therefore, it has been classified as a Variant of Uncertain Significance.